The following is an entry in ClinVar:

NM_001378969.1(KCND3):c.1660A>T (p.Thr554Ser)

Gene: KCND3 (potassium voltage-gated channel subfamily D member 3; minus strand). Cytogenetic location: 1p13.2.
Variant type: single nucleotide variant.
Coding change: c.1660A>T on transcript NM_001378969.1 (MANE Select); coding-DNA position 1660, A replaced by T.
Protein change: p.Thr554Ser; replaces threonine 554 with serine.
Molecular consequence: missense variant.
Genome position (GRCh38, 1-based): chr1:111,777,132, T>A on the plus strand (A>T on the coding strand, the complement: KCND3 is on the minus strand). VCF-style: chr1-111777132-T-A. GRCh37 (hg19) VCF-style: chr1-112319754-T-A.
Other names: c.1603A>T, p.Thr535Ser (NM_001378970.1, NM_172198.3); c.1660A>T, p.Thr554Ser (NM_004980.5); short protein forms T554S, T535S.
Identifiers: ClinVar variation 1777478 (VCV001777478.2), dbSNP rs1571621642, ClinGen allele CA341656979.

ClinVar aggregate classification (germline): Uncertain significance (1 of 4 stars; one submission).

Conditions:
Cardiovascular phenotype. Identifiers: MedGen CN230736.

Allele frequency attached by ClinVar (database versions not stated): gnomAD exomes below 0.00001.
gnomAD v4.1: 1 of 1,614,116 alleles (0.000062%); highest among the groups gnomAD compares: Non-Finnish European, 0.000085%; no homozygotes.

Submission:

Ambry Genetics
Classification: Uncertain significance for Cardiovascular phenotype. Last evaluated: 2019-10-21. Review status: criteria provided, single submitter. Criteria: Ambry Variant Classification Scheme 2023. Collection method: clinical testing. Allele origin: germline.
Comment: The p.T554S variant (also known as c.1660A>T), located in coding exon 6 of the KCND3 gene, results from an A to T substitution at nucleotide position 1660. The threonine at codon 554 is replaced by serine, an amino acid with similar properties. This amino acid position is not well conserved in available vertebrate species, and serine is the reference amino acid in other vertebrate species. In addition, this alteration is predicted to be tolerated by in silico analysis. Since supporting evidence is limited at this time, the clinical significance of this alteration remains unclear.